The following is an entry in ClinVar:

ClinVar aggregate classification (germline): Uncertain significance (1 of 4 stars; one submission).

Conditions:
Gorlin syndrome. Also called: Nevoid Basal Cell Carcinoma Syndrome; Basal cell nevus syndrome. Identifiers: Orphanet 377, MedGen C0004779, MONDO:0007187.

Submission:

Labcorp Genetics (formerly Invitae), Labcorp
Classification: Uncertain significance for Gorlin syndrome. Last evaluated: 2025-11-09. Review status: criteria provided, single submitter. Criteria: Invitae Variant Classification Sherloc (09022015). Collection method: clinical testing. Allele origin: germline.
Comment: This sequence change replaces glycine, which is neutral and non-polar, with serine, which is neutral and polar, at codon 105 of the PTCH1 protein (p.Gly105Ser). This variant is not present in population databases (gnomAD no frequency). This variant has not been reported in the literature in individuals affected with PTCH1-related conditions. Invitae Evidence Modeling of protein sequence and biophysical properties (such as structural, functional, and spatial information, amino acid conservation, physicochemical variation, residue mobility, and thermodynamic stability) has been performed for this missense variant. However, the output from this modeling did not meet the statistical confidence thresholds required to predict the impact of this variant on PTCH1 protein function. In summary, the available evidence is currently insufficient to determine the role of this variant in disease. Therefore, it has been classified as a Variant of Uncertain Significance.

NM_000264.5(PTCH1):c.313G>A (p.Gly105Ser)

Gene: PTCH1 (patched 1; minus strand). Cytogenetic location: 9q22.32.
Variant type: single nucleotide variant.
Coding change: c.313G>A on transcript NM_000264.5 (MANE Select); coding-DNA position 313, G replaced by A.
Protein change: p.Gly105Ser; replaces glycine 105 with serine.
Molecular consequence: missense variant. On other transcripts: 5 prime UTR variant (4), non-coding transcript variant (1).
Genome position (GRCh38, 1-based): chr9:95,506,488, C>T on the plus strand (G>A on the coding strand, the complement: PTCH1 is on the minus strand). VCF-style: chr9-95506488-C-T. GRCh37 (hg19) VCF-style: chr9-98268770-C-T.
Other names: c.115G>A, p.Gly39Ser (NM_001083602.3, NM_001354919.2); c.310G>A, p.Gly104Ser (NM_001083603.3); c.-141G>A (NM_001083604.3, NM_001083605.3, NM_001083606.3 and 1 more transcripts); c.313G>A, p.Gly105Ser (NM_001354918.2); short protein forms G104S, G105S, G39S.
Identifiers: ClinVar variation 4708429 (VCV004708429.1).
Genomic context (GRCh38, chr9:95,506,488, plus strand): 5'-CGTTGGTCTCGAGGTTCGCTGCTTTTAATCCCACCGCGAAGGCCCCAAATATGAGGAGGC[C>T]CACAACCAAGAACTTGCCGCAGTTTTTTTGAATGTAACAACCCAGTTTAAATAAGAGTCT-3'
Protein context (NP_000255.2, residues 95-115): QKNCGKFLVV[Gly105Ser]LLIFGAFAVG